The following is an entry in ClinVar:

NM_001853.4(COL9A3):c.1384del (p.Val462fs)

Genes: COL9A3 (collagen type IX alpha 3 chain; plus strand), LOC126863084 (MED14-independent group 3 enhancer GRCh37_chr20:61467141-61468340; plus strand). Cytogenetic location: 20q13.33.
Variant type: Deletion.
Coding change: c.1384del on transcript NM_001853.4 (MANE Select); coding-DNA position 1384, one base deleted (G; older notation c.1384delG).
Protein change: p.Val462fs; shifts the reading frame from valine 462.
Molecular consequence: frameshift variant.
Genome position (GRCh38, 1-based): chr20:62,835,936, G deleted; the last of 2 consecutive G bases (chr20:62,835,935-62,835,936); deleting either gives the same sequence. VCF-style (leftmost placement, unchanged base first): chr20-62835934-TG-T. GRCh37 (hg19) VCF-style: chr20-61467286-TG-T.
Other names: short protein forms V462fs.
Identifiers: ClinVar variation 1396063 (VCV001396063.6), dbSNP rs757363127, ClinGen allele CA9949936.

ClinVar aggregate classification (germline): Pathogenic (1 of 4 stars; one submission).

Submission:

Labcorp Genetics (formerly Invitae), Labcorp
Classification: Pathogenic. Last evaluated: 2022-11-22. Review status: criteria provided, single submitter. Criteria: Invitae Variant Classification Sherloc (09022015). Collection method: clinical testing. Allele origin: germline.
Comment: This variant is present in population databases (rs757363127, gnomAD 0.006%). For these reasons, this variant has been classified as Pathogenic. ClinVar contains an entry for this variant (Variation ID: 1396063). This variant has not been reported in the literature in individuals affected with COL9A3-related conditions. This sequence change creates a premature translational stop signal (p.Val462Serfs*71) in the COL9A3 gene. It is expected to result in an absent or disrupted protein product. Loss-of-function variants in COL9A3 are known to be pathogenic (PMID: 24273071, 31090205).

Literature cited by the submitters: PubMed 24273071; PubMed 31090205.